The following is an entry in ClinVar:

NM_033337.3(CAV3):c.310G>C (p.Val104Leu)

Genes: CAV3 (caveolin 3; plus strand), OXTR (oxytocin receptor; minus strand). Cytogenetic location: 3p25.3.
Variant type: single nucleotide variant.
Coding change: c.310G>C on transcript NM_033337.3 (MANE Select); coding-DNA position 310, G replaced by C.
Protein change: p.Val104Leu; replaces valine 104 with leucine.
Molecular consequence: missense variant.
Genome position (GRCh38, 1-based): chr3:8,745,721, G>C. VCF-style: chr3-8745721-G-C. GRCh37 (hg19) VCF-style: chr3-8787407-G-C.
Other names: c.310G>C, p.Val104Leu (NM_001234.5); short protein forms V104L.
Identifiers: ClinVar variation 1349629 (VCV001349629.9), dbSNP rs944503745, ClinGen allele CA69870485.

ClinVar aggregate classification (germline): Uncertain significance. Review status: criteria provided, multiple submitters, no conflicts (2 of 4 stars). 2 submissions from 2 submitters: Uncertain significance (2). Last evaluated 2024-11-19.

Conditions:
Rippling muscle disease 2 (RMD2). Also called: CAV3-Related Rippling Muscle Disease; Limb-girdle muscular dystrophy, type 1C. Identifiers: Orphanet 265, MedGen C1832560, MONDO:0019947, OMIM 606072.
Elevated circulating creatine kinase activity. Also called: Elevated creatine kinase; Elevated circulating creatine kinase concentration; Elevated serum creatine phosphokinase. Identifiers: MedGen C0241005, HP:0003236.
Hypertrophic cardiomyopathy 1 (CMH1). Also called: MYH7-Related Familial Hypertrophic Cardiomyopathy; Familial hypertrophic cardiomyopathy 1. Identifiers: MedGen C3495498, MONDO:0008647, OMIM 192600.
Distal myopathy, Tateyama type (MPDT). Also called: CAV3-Related Distal Myopathy. Identifiers: Orphanet 488650, MedGen C3280443, MONDO:0013686, OMIM 614321.
Long QT syndrome 9 (LQT9). Identifiers: Orphanet 101016, Orphanet 768, MedGen C2678485, MONDO:0012736, OMIM 611818.
Long QT syndrome (LQTS). Identifiers: MedGen C0023976, MeSH D008133, MONDO:0002442. Disease mechanism: loss of function. Inheritance: Various modes of inheritance.

Allele frequency attached by ClinVar (database versions not stated): gnomAD 0.00001; TOPMed 0.00001.
gnomAD v4.1: 2 of 1,614,054 alleles (0.00012%); highest among the groups gnomAD compares: African/African-American, 0.0027%; no homozygotes.

Submissions (2):

Labcorp Genetics (formerly Invitae), Labcorp
Classification: Uncertain significance for Long QT syndrome. Last evaluated: 2024-11-19. Review status: criteria provided, single submitter. Criteria: Invitae Variant Classification Sherloc (09022015). Collection method: clinical testing. Allele origin: germline.
Comment: This sequence change replaces valine, which is neutral and non-polar, with leucine, which is neutral and non-polar, at codon 104 of the CAV3 protein (p.Val104Leu). This variant is not present in population databases (gnomAD no frequency). This variant has not been reported in the literature in individuals affected with CAV3-related conditions. ClinVar contains an entry for this variant (Variation ID: 1349629). An algorithm developed to predict the effect of missense changes on protein structure and function (PolyPhen-2) suggests that this variant is likely to be tolerated. In summary, the available evidence is currently insufficient to determine the role of this variant in disease. Therefore, it has been classified as a Variant of Uncertain Significance.

Fulgent Genetics
Classification: Uncertain significance for Creatine phosphokinase, elevated serum; Hypertrophic cardiomyopathy 1; Rippling muscle disease 2; Long QT syndrome 9; Distal myopathy, Tateyama type. Last evaluated: 2021-12-08. Review status: criteria provided, single submitter. Criteria: ACMG Guidelines, 2015. Collection method: clinical testing. Allele origin: unknown.